The following is an entry in ClinVar:

ClinVar aggregate classification (germline): Uncertain significance (1 of 4 stars; one submission).

Conditions:
Neuronopathy, distal hereditary motor, autosomal recessive 4. Also called: NEUROPATHY, DISTAL HEREDITARY MOTOR, AUTOSOMAL RECESSIVE 4; Autosomal recessive lower motor neuron disease with childhood onset. Identifiers: Orphanet 206580, MedGen C1970211, MONDO:0012608, OMIM 611067.
Charcot-Marie-Tooth disease recessive intermediate C. Also called: CHARCOT-MARIE-TOOTH NEUROPATHY, RECESSIVE INTERMEDIATE C. Identifiers: Orphanet 369867, MedGen C3809309, MONDO:0014154, OMIM 615376.

Submission:

Labcorp Genetics (formerly Invitae), Labcorp
Classification: Uncertain significance for Neuronopathy, distal hereditary motor, autosomal recessive 4; Charcot-Marie-Tooth disease recessive intermediate C. Last evaluated: 2023-04-24. Review status: criteria provided, single submitter. Criteria: Invitae Variant Classification Sherloc (09022015). Collection method: clinical testing. Allele origin: germline.
Comment: Experimental studies and prediction algorithms are not available or were not evaluated, and the functional significance of this variant is currently unknown. ClinVar contains an entry for this variant (Variation ID: 978542). This variant has not been reported in the literature in individuals affected with PLEKHG5-related conditions. This variant is present in population databases (no rsID available, gnomAD 0.0009%). This variant, c.121_129dup, results in the insertion of 3 amino acid(s) of the PLEKHG5 protein (p.Glu41_Glu43dup), but otherwise preserves the integrity of the reading frame. In summary, the available evidence is currently insufficient to determine the role of this variant in disease. Therefore, it has been classified as a Variant of Uncertain Significance.

NM_020631.6(PLEKHG5):c.112GAG[9] (p.Glu43_Ser44insGluGluGlu)

Gene: PLEKHG5 (pleckstrin homology and RhoGEF domain containing G5; minus strand). Cytogenetic location: 1p36.31.
Variant type: Microsatellite.
Coding change: c.112GAG[9] on transcript NM_020631.6 (MANE Select); nine copies in a row of the 3-base unit GAG starting at c.112; the reference has six copies in a row; three copies, 9 bases duplicated.
Protein change: p.Glu43_Ser44insGluGluGlu.
Molecular consequence: inframe insertion. On other transcripts: inframe indel (4).
Genome position (GRCh38, 1-based): chr1:6,475,951-6,475,959, CTCCTCCTC duplicated on the plus strand (GAGGAGGAG on the coding strand, the reverse complement: PLEKHG5 is on the minus strand); duplicating any 9 consecutive bases within chr1:6,475,951-6,475,969 gives the same sequence; the position shown is the placement nearest the transcript's 3' end. VCF-style (leftmost placement, unchanged base first): chr1-6475950-T-TCTCCTCCTC. GRCh37 (hg19) VCF-style: chr1-6536010-T-TCTCCTCCTC.
Other names: c.111_113GGA[9], p.Glu43_Ser44insGluGluGlu (NM_001265594.3, NM_001042664.2, NM_001042665.2); c.112GAG[9], p.Glu43_Ser44insGluGluGlu (NM_198681.4); c.223GAG[9], p.Glu80_Ser81insGluGluGlu (NM_001042663.3, NM_001265592.2); c.318_320GGA[9], p.Glu112_Ser113insGluGluGlu (NM_001265593.2).
Identifiers: ClinVar variation 978542 (VCV000978542.9), dbSNP rs760139855, ClinGen allele CA520766240.